The following is an entry in ClinVar:

NM_032119.4(ADGRV1):c.10427-288T>C

Gene: ADGRV1 (adhesion G protein-coupled receptor V1; plus strand). Cytogenetic location: 5q14.3.
Variant type: single nucleotide variant.
Coding change: c.10427-288T>C on transcript NM_032119.4 (MANE Select); 288 bases into the intron before coding-DNA position 10427, T replaced by C.
Molecular consequence: intron variant.
Genome position (GRCh38, 1-based): chr5:90,729,354, T>C. VCF-style: chr5-90729354-T-C. GRCh37 (hg19) VCF-style: chr5-90025171-T-C.
Identifiers: ClinVar variation 672429 (VCV000672429.1), dbSNP rs73772478, ClinGen allele CA122809992.
Genomic context (GRCh38, chr5:90,729,354, plus strand): 5'-ACTTTTTATAAGACTCTTTCAGAATATTCTTGGAAGGAAAATTTGCTTTCTGCTGCTGAG[T>C]AGAACTTTCATGGGTAAAATTGCAACATTCCTAAAAAAATTAAAAAAAATTGTCCTTGTT-3'

ClinVar aggregate classification (germline): Likely benign (1 of 4 stars; one submission).

Allele frequency attached by ClinVar (database versions not stated): gnomAD 0.03032 and 0.03350; TOPMed 0.03157; 1000 Genomes Project 30x 0.04700; 1000 Genomes Project 0.04712.
gnomAD v4.1: 5,071 of 152,270 alleles (3.3%); highest among the groups gnomAD compares: South Asian, 13%; 134 homozygotes.

Submission:

GeneDx
Classification: Likely benign. Last evaluated: 2018-06-14. Review status: criteria provided, single submitter. Criteria: GeneDx Variant Classification (06012015). Collection method: clinical testing. Allele origin: germline. Affected: yes.
Comment: This variant is considered likely benign or benign based on one or more of the following criteria: it is a conservative change, it occurs at a poorly conserved position in the protein, it is predicted to be benign by multiple in silico algorithms, and/or has population frequency not consistent with disease.